The following is an entry in ClinVar:

ClinVar aggregate classification (germline): Pathogenic/Likely pathogenic. Review status: criteria provided, multiple submitters, no conflicts (2 of 4 stars). 2 submissions from 2 submitters: Pathogenic (1); Likely pathogenic (1). Last evaluated 2026-02-03.

Conditions:
Hereditary cancer-predisposing syndrome. Also called: Hereditary Cancer Syndrome; Neoplastic Syndromes, Hereditary; Tumor predisposition; Hereditary neoplastic syndrome. Identifiers: Orphanet 140162, MedGen C0027672, MeSH D009386, MONDO:0015356.

Submissions (2):

Ambry Genetics
Classification: Likely pathogenic for Hereditary cancer-predisposing syndrome. Last evaluated: 2026-02-03. Review status: criteria provided, single submitter. Criteria: Ambry Variant Classification Scheme 2023. Collection method: clinical testing. Allele origin: germline.
Comment: The c.1391-1_1391delGGinsTT variant results from a deletion of two nucleotides and insertion of two nucleotides at positions c.1391-1 to c.1391 and involves the canonical splice acceptor site before coding exon 10 of the FH gene. The canonical acceptor site is highly conserved. In silico splice site analysis predicts that this alteration may weaken the native splice acceptor site and may result in the creation of a novel splice acceptor site. RNA studies have demonstrated that this variant results in abnormal splicing in the set of samples tested (Ambry internal data). This variant is considered to be rare based on population cohorts in the Genome Aggregation Database (gnomAD). Based on the majority of available evidence to date, this variant is likely to be pathogenic.

Labcorp Genetics (formerly Invitae), Labcorp
Classification: Pathogenic. Last evaluated: 2020-10-09. Review status: criteria provided, single submitter. Criteria: Invitae Variant Classification Sherloc (09022015). Collection method: clinical testing. Allele origin: germline.
Comment: The frequency data for this variant in the population databases is not available, as this variant may be reported as separate entries in the ExAC database. For these reasons, this variant has been classified as Pathogenic. Nucleotide substitutions within the consensus splice site are a relatively common cause of aberrant splicing (PMID: 17576681, 9536098). Algorithms developed to predict the effect of sequence changes on RNA splicing suggest that this variant may disrupt the consensus splice site, but this prediction has not been confirmed by published transcriptional studies. Disruption of this splice site has been observed in several individuals with clinical features of hereditary leiomyomatosis and renal cell cancer (PMID: 28266706, Invitae). This sequence change affects an acceptor splice site in the last intron (intron 9) of the FH gene. While this is not anticipated to result in nonsense mediated decay, it likely alters RNA splicing and results in a disrupted protein product.

Literature cited by the submitters: PubMed 17576681 (cited by Labcorp Genetics (formerly Invitae), Labcorp); PubMed 9536098 (cited by Labcorp Genetics (formerly Invitae), Labcorp); PubMed 28266706 (cited by Labcorp Genetics (formerly Invitae), Labcorp).

NM_000143.4(FH):c.1391-1_1391delinsTT

Gene: FH (fumarate hydratase; minus strand). Cytogenetic location: 1q43.
Variant type: Indel.
Coding change: c.1391-1_1391delinsTT on transcript NM_000143.4 (MANE Select); the canonical splice acceptor site of the intron before coding-DNA position 1391 through coding-DNA position 1391, GG replaced by TT.
Molecular consequence: splice acceptor variant.
Genome position (GRCh38, 1-based): chr1:241,497,970-241,497,971, CC replaced by AA on the plus strand (GG replaced by TT on the coding strand, the reverse complement: FH is on the minus strand). VCF-style: chr1-241497970-CC-AA. GRCh37 (hg19) VCF-style: chr1-241661270-CC-AA.
Other names: c.1391-1_1391delGGinsTT (NM_000143.3).
Identifiers: ClinVar variation 1073585 (VCV001073585.8), dbSNP rs2147911367, ClinGen allele CA2499214629.